The following is an entry in ClinVar:

ClinVar aggregate classification (germline): Uncertain significance (1 of 4 stars; one submission).

Submission:

GeneDx
Classification: Uncertain significance. Last evaluated: 2023-06-20. Review status: criteria provided, single submitter. Criteria: GeneDx Variant Classification Process June 2021. Collection method: clinical testing. Allele origin: germline. Affected: yes.
Comment: Has not been previously published as pathogenic or benign to our knowledge; Not observed at significant frequency in large population cohorts (gnomAD); Frameshift variant predicted to result in protein truncation or nonsense mediated decay in a gene or region of a gene for which loss of function is not a well-established mechanism of disease

NM_001613.4(ACTA2):c.649_652dup (p.Leu218fs)

Genes: ACTA2 (actin alpha 2, smooth muscle; minus strand), ACTA2-AS1 (ACTA2 antisense RNA 1; plus strand). Cytogenetic location: 10q23.31.
Variant type: Duplication.
Coding change: c.649_652dup on transcript NM_001613.4 (MANE Select); coding-DNA positions 649 to 652, 4 bases duplicated (AAAC; older notation c.649_652dupAAAC).
Protein change: p.Leu218fs; shifts the reading frame from leucine 218.
Molecular consequence: frameshift variant. On other transcripts: non-coding transcript variant (1), intron variant (1).
Genome position (GRCh38, 1-based): chr10:88,939,663-88,939,666, GTTT duplicated on the plus strand (AAAC on the coding strand, the reverse complement: ACTA2 is on the minus strand). VCF-style (leftmost placement, unchanged base first): chr10-88939662-A-AGTTT. GRCh37 (hg19) VCF-style: chr10-90699419-A-AGTTT.
Other names: c.649_652dup, p.Leu218fs (NM_001141945.3, NM_001320855.2, NM_001406462.1 and 2 more transcripts); c.538_541dup, p.Leu181fs (NM_001406466.1); c.520_523dup, p.Leu175fs (NM_001406467.1, NM_001406468.1, NM_001406469.1); c.617-1424_617-1421dup (NM_001406471.1); short protein forms L175fs, L181fs, L218fs.
Identifiers: ClinVar variation 3359963 (VCV003359963.1).